The following is an entry in ClinVar:

ClinVar aggregate classification (germline): Benign/Likely benign. Review status: criteria provided, multiple submitters, no conflicts (2 of 4 stars). 3 submissions from 3 submitters: Benign (2); Likely benign (1). Last evaluated 2022-07-01.

Allele frequency attached by ClinVar (database versions not stated): 1000 Genomes Project 0.00080; 1000 Genomes Project 30x 0.00141; TOPMed 0.00247; gnomAD exomes 0.00305 and 0.00422; gnomAD 0.00318 and 0.00326; ESP Exome Variant Server 0.00332; ExAC 0.00590.
gnomAD v4.1: 6,493 of 1,602,836 alleles (0.41%); highest among the groups gnomAD compares: Non-Finnish European, 0.48%; 23 homozygotes.

Submissions (3):

CeGaT Center for Human Genetics Tuebingen
Classification: Likely benign. Last evaluated: 2022-07-01. Review status: criteria provided, single submitter. Criteria: CeGaT Center For Human Genetics Tuebingen Variant Classification Criteria Version 2. Collection method: clinical testing. Allele origin: germline. Affected: yes. Observed: 2 variant alleles.
Comment: RABL6: BP4

Labcorp Genetics (formerly Invitae), Labcorp
Classification: Benign. Last evaluated: 2018-03-29. Review status: criteria provided, single submitter. Criteria: Invitae Variant Classification Sherloc (09022015). Collection method: clinical testing. Allele origin: germline.

Breakthrough Genomics
Classification: Benign. Review status: criteria provided, single submitter. Criteria: ACMG Guidelines, 2015. Collection method: not provided. Allele origin: germline. Inheritance: Unknown mechanism. Affected: yes.

NM_024718.5(RABL6):c.839G>A (p.Arg280His)

Gene: RABL6 (RAB, member RAS oncogene family like 6; plus strand). Cytogenetic location: 9q34.3.
Variant type: single nucleotide variant.
Coding change: c.839G>A on transcript NM_024718.5 (MANE Select); coding-DNA position 839, G replaced by A.
Protein change: p.Arg280His; replaces arginine 280 with histidine.
Molecular consequence: missense variant.
Genome position (GRCh38, 1-based): chr9:136,837,375, G>A. VCF-style: chr9-136837375-G-A. GRCh37 (hg19) VCF-style: chr9-139731827-G-A.
Other names: c.842G>A, p.Arg281His (NM_001173988.2); short protein forms R281H, R280H.
Identifiers: ClinVar variation 769760 (VCV000769760.28), dbSNP rs200704265, ClinGen allele CA5346268.